The following is an entry in ClinVar:

ClinVar aggregate classification (germline): Uncertain significance (1 of 4 stars; one submission).

Conditions:
Inborn genetic diseases. Identifiers: MedGen C0950123, MeSH D030342.

gnomAD v4.1: 1 of 1,614,134 alleles (0.000062%); highest among the groups gnomAD compares: Non-Finnish European, 0.000085%; no homozygotes.

Submission:

Ambry Genetics
Classification: Uncertain significance for Inborn genetic diseases. Last evaluated: 2024-09-18. Review status: criteria provided, single submitter. Criteria: Ambry Variant Classification Scheme 2023. Collection method: clinical testing. Allele origin: germline.
Comment: The p.D2047N variant (also known as c.6139G>A), located in coding exon 36 of the ATR gene, results from a G to A substitution at nucleotide position 6139. The aspartic acid at codon 2047 is replaced by asparagine, an amino acid with highly similar properties. This amino acid position is conserved. In addition, this alteration is predicted to be tolerated by in silico analysis. Based on the available evidence, the clinical significance of this variant remains unclear.

NM_001184.4(ATR):c.6139G>A (p.Asp2047Asn)

Genes: ATR (ATR serine/threonine kinase; minus strand), LOC126806830 (BRD4-independent group 4 enhancer GRCh37_chr3:142203676-142204875; plus strand). Cytogenetic location: 3q23.
Variant type: single nucleotide variant.
Coding change: c.6139G>A on transcript NM_001184.4 (MANE Select); coding-DNA position 6139, G replaced by A.
Protein change: p.Asp2047Asn; replaces aspartic acid 2047 with asparagine.
Molecular consequence: missense variant.
Genome position (GRCh38, 1-based): chr3:142,485,222, C>T on the plus strand (G>A on the coding strand, the complement: ATR is on the minus strand). VCF-style: chr3-142485222-C-T. GRCh37 (hg19) VCF-style: chr3-142204064-C-T.
Other names: c.5947G>A, p.Asp1983Asn (NM_001354579.2); short protein forms D2047N, D1983N.
Identifiers: ClinVar variation 3462706 (VCV003462706.1).